The following is an entry in ClinVar:

NM_007294.4(BRCA1):c.4485-18T>A

Gene: BRCA1 (BRCA1 DNA repair associated; minus strand). Cytogenetic location: 17q21.31.
Variant type: single nucleotide variant.
Coding change: c.4485-18T>A on transcript NM_007294.4 (MANE Select); 18 bases into the intron before coding-DNA position 4485, T replaced by A.
Molecular consequence: intron variant.
Genome position (GRCh38, 1-based): chr17:43,074,539, A>T on the plus strand (T>A on the coding strand, the complement: BRCA1 is on the minus strand). VCF-style: chr17-43074539-A-T. GRCh37 (hg19) VCF-style: chr17-41226556-A-T.
Other names: IVS14-18T>A; c.1032-18T>A (NM_001408458.1, NM_001408461.1, NM_001408464.1 and 7 more transcripts); c.3594-18T>A (NM_001407967.1); c.4104-18T>A (NM_001407959.1); c.4218-18T>A (NM_001407931.1, NM_001407932.1, NM_001407928.1 and 4 more transcripts); c.4341-18T>A (NM_001407747.1, NM_001407745.1, NM_001407737.1 and 21 more transcripts); c.4101-18T>A (NM_001407962.1, NM_001407960.1); c.672-18T>A (NM_001408512.1); and 72 more.
Identifiers: ClinVar variation 125715 (VCV000125715.15), dbSNP rs80358000, ClinGen allele CA002877.
Genomic context (GRCh38, chr17:43,074,539, plus strand): 5'-GTACCACCTATCATCTAATGATGGGCATTTAGAAGGGGATGACCTAGAAAGATAAATGGA[A>T]GGAGAAAACCATCGCCACCAATTGTGAAAGGACAAATCATACTTGCTGGGCAGCCAAAGC-3'

ClinVar aggregate classification (germline): Likely benign. Review status: criteria provided, multiple submitters, no conflicts (2 of 4 stars). 4 submissions from 4 submitters: Likely benign (3). 1 of the submissions does not count toward it. Last evaluated 2026-01-11.

Conditions:
Hereditary cancer-predisposing syndrome. Also called: Tumor predisposition; Hereditary neoplastic syndrome; Hereditary Cancer Syndrome; Neoplastic Syndromes, Hereditary. Identifiers: Orphanet 140162, MedGen C0027672, MeSH D009386, MONDO:0015356.
Hereditary breast ovarian cancer syndrome. Also called: Hereditary breast and/or ovarian cancer syndrome; Breast and ovarian cancer; Hereditary breast and ovarian cancer syndrome; Hereditary breast and ovarian cancer; Hereditary breast and ovarian cancer syndrome (HBOC); BRCA1- and BRCA2-Associated Hereditary Breast and Ovarian Cancer. Identifiers: Orphanet 145, MedGen C0677776, MeSH D061325, MONDO:0003582. Disease mechanism: loss of function.
Breast-ovarian cancer, familial, susceptibility to, 1 (BROVCA1). Also called: BRCA1 Hereditary Breast and Ovarian Cancer; OVARIAN CANCER, SUSCEPTIBILITY TO. Identifiers: Orphanet 145, MedGen C2676676, MONDO:0011450, OMIM 604370. Disease mechanism: loss of function.

Allele frequency attached by ClinVar (database versions not stated): gnomAD exomes below 0.00001; ExAC 0.00001.
gnomAD v4.1: 1 of 1,607,422 alleles (0.000062%); highest among the groups gnomAD compares: Admixed American, 0.0017%; no homozygotes.

Submissions (4):

Labcorp Genetics (formerly Invitae), Labcorp
Classification: Likely benign for Hereditary breast ovarian cancer syndrome. Last evaluated: 2026-01-11. Review status: criteria provided, single submitter. Criteria: Invitae Variant Classification Sherloc (09022015). Collection method: clinical testing. Allele origin: germline.

Color Diagnostics, LLC DBA Color Health
Classification: Likely benign for Hereditary cancer-predisposing syndrome. Last evaluated: 2018-11-30. Review status: criteria provided, single submitter. Criteria: ACMG Guidelines, 2015. Collection method: clinical testing. Allele origin: germline.

GeneDx
Classification: Likely benign. Last evaluated: 2017-11-20. Review status: criteria provided, single submitter. Criteria: GeneDx Variant Classification (06012015). Collection method: clinical testing. Allele origin: germline. Affected: yes.
Comment: This variant is considered likely benign or benign based on one or more of the following criteria: it is a conservative change, it occurs at a poorly conserved position in the protein, it is predicted to be benign by multiple in silico algorithms, and/or has population frequency not consistent with disease.

Breast Cancer Information Core (BIC) (BRCA1)
Classification: Uncertain significance for Breast-ovarian cancer, familial 1. Last evaluated: 2004-11-25. Review status: no assertion criteria provided. Collection method: clinical testing. Allele origin: germline. Affected: yes. Observed: 1 variant allele. Not counted in ClinVar's aggregate classification.